The following is an entry in ClinVar:

ClinVar aggregate classification (germline): Uncertain significance (1 of 4 stars; one submission).

Submission:

Labcorp Genetics (formerly Invitae), Labcorp
Classification: Uncertain significance. Last evaluated: 2021-09-04. Review status: criteria provided, single submitter. Criteria: Invitae Variant Classification Sherloc (09022015). Collection method: clinical testing. Allele origin: germline.
Comment: This variant, c.1382_1387del, results in the deletion of 2 amino acid(s) of the ARSG protein (p.Asp461_Thr462del), but otherwise preserves the integrity of the reading frame. This variant is not present in population databases (ExAC no frequency). This variant has not been reported in the literature in individuals affected with ARSG-related conditions. Experimental studies and prediction algorithms are not available or were not evaluated, and the functional significance of this variant is currently unknown. In summary, the available evidence is currently insufficient to determine the role of this variant in disease. Therefore, it has been classified as a Variant of Uncertain Significance.

NM_001267727.2(ARSG):c.1382_1387del (p.Asp461_Thr462del)

Genes: ARSG (arylsulfatase G; plus strand), PRKAR1A (protein kinase cAMP-dependent type I regulatory subunit alpha; plus strand). Cytogenetic location: 17q24.2.
Variant type: Deletion.
Coding change: c.1382_1387del on transcript NM_001267727.2 (MANE Select); coding-DNA positions 1382 to 1387, 6 bases deleted (ATACCG; older notation c.1382_1387delATACCG).
Protein change: p.Asp461_Thr462del.
Molecular consequence: inframe deletion. On other transcripts: intron variant (3).
Genome position (GRCh38, 1-based): chr17:68,420,267-68,420,272, ATACCG deleted; deleting any 6 consecutive bases within chr17:68,420,265-68,420,272 gives the same sequence; the c. name uses the placement nearest the transcript's 3' end. VCF-style (leftmost placement, unchanged base first): chr17-68420264-ACGATAC-A. GRCh37 (hg19) VCF-style: chr17-66416405-ACGATAC-A.
Other names: c.1382_1387del, p.Asp461_Thr462del (NM_001352899.2, NM_001352900.2, NM_001352901.2 and 2 more transcripts); c.1379_1384del, p.Asp460_Thr461del (NM_001352903.2, NM_001352904.2, NM_001352905.2 and 2 more transcripts); c.1303+18817_1303+18822del (NM_001352910.2); c.1255+18817_1255+18822del (NM_001352909.2); c.-7+6472_-7+6477del (NM_001278433.2).
Identifiers: ClinVar variation 1475042 (VCV001475042.5), dbSNP rs2082687922, ClinGen allele CA2272208944.
Genomic context (GRCh38, chr17:68,420,264, plus strand): 5'-GTGATGGGAGCACGGGGCCTGAGCTGCAGCATAAGTTTCCTCTGATTTTCAACCTGGAAG[ACGATAC>A]CGCAGAAGCTGTGCCCCTAGAAAGAGGTGGTGCGGAGTACCAGGCTGTGCTGCCCGAGGT-3'